The following is an entry in ClinVar:

NM_001082971.2(DDC):c.586G>T (p.Glu196Ter)

Gene: DDC (dopa decarboxylase; minus strand). Cytogenetic location: 7p12.1.
Variant type: single nucleotide variant.
Coding change: c.586G>T on transcript NM_001082971.2 (MANE Select); coding-DNA position 586, G replaced by T.
Protein change: p.Glu196Ter; replaces glutamic acid 196 with a stop codon.
Molecular consequence: nonsense. On other transcripts: intron variant (2).
Genome position (GRCh38, 1-based): chr7:50,528,265, C>A on the plus strand (G>T on the coding strand, the complement: DDC is on the minus strand). VCF-style: chr7-50528265-C-A. GRCh37 (hg19) VCF-style: chr7-50595963-C-A.
Other names: c.586G>T, p.Glu196Ter (NM_000790.4, NM_001242890.2); c.472G>T, p.Glu158Ter (NM_001242886.2); c.352G>T, p.Glu118Ter (NM_001242888.2); c.435+9595G>T (NM_001242889.2); c.570+943G>T (NM_001242887.2); short protein forms E196*, E118*, E158*.
Identifiers: ClinVar variation 4730561 (VCV004730561.1).

ClinVar aggregate classification (germline): Pathogenic (1 of 4 stars; one submission).

Conditions:
Deficiency of aromatic-L-amino-acid decarboxylase. Also called: Aromatic L-Amino Acid Decarboxylase Deficiency; AADC DEFICIENCY; DDC DEFICIENCY; DOPA DECARBOXYLASE DEFICIENCY; Aromatic amino acid decarboxylase deficiency. Identifiers: Orphanet 35708, MedGen C1291564, MONDO:0012084, OMIM 608643.

Submission:

Labcorp Genetics (formerly Invitae), Labcorp
Classification: Pathogenic for Deficiency of aromatic-L-amino-acid decarboxylase. Last evaluated: 2025-11-05. Review status: criteria provided, single submitter. Criteria: Invitae Variant Classification Sherloc (09022015). Collection method: clinical testing. Allele origin: germline.
Comment: This sequence change creates a premature translational stop signal (p.Glu196*) in the DDC gene. It is expected to result in an absent or disrupted protein product. Loss-of-function variants in DDC are known to be pathogenic (PMID: 15079002, 24788355). This variant is not present in population databases (gnomAD no frequency). This variant has not been reported in the literature in individuals affected with DDC-related conditions. Algorithms developed to predict the effect of sequence changes on RNA splicing suggest that this variant may disrupt the consensus splice site. For these reasons, this variant has been classified as Pathogenic.

Literature cited by the submitters: PubMed 15079002; PubMed 24788355.